The following is an entry in ClinVar:

NM_001165963.4(SCN1A):c.5046C>G (p.Phe1682Leu)

Genes: SCN1A (sodium voltage-gated channel alpha subunit 1; minus strand), LOC102724058 (uncharacterized LOC102724058; plus strand). Cytogenetic location: 2q24.3.
Variant type: single nucleotide variant.
Coding change: c.5046C>G on transcript NM_001165963.4 (MANE Select); coding-DNA position 5046, C replaced by G.
Protein change: p.Phe1682Leu; replaces phenylalanine 1682 with leucine.
Molecular consequence: missense variant. On other transcripts: non-coding transcript variant (1).
Genome position (GRCh38, 1-based): chr2:165,992,229, G>C on the plus strand (C>G on the coding strand, the complement: SCN1A is on the minus strand). VCF-style: chr2-165992229-G-C. GRCh37 (hg19) VCF-style: chr2-166848739-G-C.
Other names: c.4962C>G, p.Phe1654Leu (NM_001165964.3, NM_001353957.2, NM_001353958.2); c.5046C>G, p.Phe1682Leu (NM_001202435.3, NM_001353948.2); c.5013C>G, p.Phe1671Leu (NM_001353949.2, NM_001353950.2, NM_001353951.2 and 2 more transcripts); c.5010C>G, p.Phe1670Leu (NM_001353954.2, NM_001353955.2); c.4959C>G, p.Phe1653Leu (NM_001353960.2); c.2604C>G, p.Phe868Leu (NM_001353961.2); short protein forms F1653L, F1654L, F1670L, F1671L, F1682L, F868L.
Identifiers: ClinVar variation 4800255 (VCV004800255.1).

ClinVar aggregate classification (germline): Uncertain significance (1 of 4 stars; one submission).

Conditions:
Early-infantile DEE. Also called: Early infantile epileptic encephalopathy with suppression bursts; Early infantile epileptic encephalopathy; Ohtahara syndrome. Identifiers: Orphanet 1934, MedGen C0393706, MONDO:0800491.

Submission:

Labcorp Genetics (formerly Invitae), Labcorp
Classification: Uncertain significance for Early-infantile DEE. Last evaluated: 2025-09-17. Review status: criteria provided, single submitter. Criteria: Invitae Variant Classification Sherloc (09022015). Collection method: clinical testing. Allele origin: germline.
Comment: This sequence change replaces phenylalanine, which is neutral and non-polar, with leucine, which is neutral and non-polar, at codon 1682 of the SCN1A protein (p.Phe1682Leu). This variant is not present in population databases (gnomAD no frequency). This variant has not been reported in the literature in individuals affected with SCN1A-related conditions. Invitae Evidence Modeling of protein sequence and biophysical properties (such as structural, functional, and spatial information, amino acid conservation, physicochemical variation, residue mobility, and thermodynamic stability) indicates that this missense variant is expected to disrupt SCN1A protein function with a positive predictive value of 95%. In summary, the available evidence is currently insufficient to determine the role of this variant in disease. Therefore, it has been classified as a Variant of Uncertain Significance.